The following is an entry in ClinVar:

NM_001022.4(RPS19):c.356+14=

Genes: RPS19-CD79A (RPS19-CD79A readthrough; plus strand), RPS19 (ribosomal protein S19; plus strand). Cytogenetic location: 19q13.2.
Variant type: single nucleotide variant.
Coding change: c.356+14= on transcript NM_001022.4 (MANE Select); 14 bases into the intron after coding-DNA position 356, no change from the reference sequence.
Molecular consequence: intron variant.
Genome position: GRCh38 VCF-style: chr19-41869228-A-A. GRCh37 (hg19) VCF-style: chr19-42373298-G-A.
Other names: c.356+14= (NM_001321484.2, NM_001321483.2); c.369+14= (NM_001321485.2).
Identifiers: ClinVar variation 138927 (VCV000138927.20), dbSNP rs1366610.

ClinVar aggregate classification (germline): Benign. Review status: criteria provided, multiple submitters, no conflicts (2 of 4 stars). 6 submissions from 6 submitters: Benign (6). Last evaluated 2026-02-04.

Conditions:
Diamond-Blackfan anemia. Also called: Blackfan Diamond syndrome; Aregenerative anemia chronic congenital; Red cell aplasia, pure hereditary; Congenital hypoplastic anemia; Aase syndrome. Identifiers: Orphanet 124, MedGen C1260899, MeSH D029503, MONDO:0015253, HP:0004810.
Diamond-Blackfan anemia 1 (DBA1). Also called: RPS19-Related Diamond-Blackfan Anemia; BLACKFAN-DIAMOND SYNDROME; ANEMIA, CONGENITAL HYPOPLASTIC, OF BLACKFAN AND DIAMOND; ANEMIA, CONGENITAL ERYTHROID HYPOPLASTIC; RED CELL APLASIA, PURE, HEREDITARY; AREGENERATIVE ANEMIA, CHRONIC CONGENITAL. Identifiers: Orphanet 124, MedGen C2676137, MONDO:0007110, OMIM 105650.

Allele frequency attached by ClinVar (database versions not stated): TOPMed 0.55609 and 1.00000; 1000 Genomes Project 30x 0.56761; gnomAD 0.99999; gnomAD exomes 0.99999.

Submissions (6):

Labcorp Genetics (formerly Invitae), Labcorp
Classification: Benign for Diamond-Blackfan anemia. Last evaluated: 2026-02-04. Review status: criteria provided, single submitter. Criteria: Invitae Variant Classification Sherloc (09022015). Collection method: clinical testing. Allele origin: germline.

ARUP Laboratories, Molecular Genetics and Genomics, ARUP Laboratories
Classification: Benign for Diamond-Blackfan anemia 1. Last evaluated: 2025-07-28. Review status: criteria provided, single submitter. Criteria: ARUP Molecular Germline Variant Investigation Process 2024. Collection method: clinical testing. Allele origin: germline.

Blueprint Genetics
Classification: Benign. Last evaluated: 2024-11-28. Review status: criteria provided, single submitter. Criteria: ACMG Guidelines, 2015. Collection method: clinical testing. Allele origin: germline.

Illumina Laboratory Services, Illumina
Classification: Benign for Diamond-Blackfan anemia 1. Last evaluated: 2018-01-13. Review status: criteria provided, single submitter. Criteria: ICSL Variant Classification Criteria 13 December 2019. Collection method: clinical testing. Allele origin: germline.
Comment: This variant was observed in the ICSL laboratory as part of a predisposition screen in an ostensibly healthy population. It had not been previously curated by ICSL or reported in the Human Gene Mutation Database (HGMD: prior to June 1st, 2018), and was therefore a candidate for classification through an automated scoring system. Utilizing variant allele frequency, disease prevalence and penetrance estimates, and inheritance mode, an automated score was calculated to assess if this variant is too frequent to cause the disease. Based on the score and internal cut-off values, a variant classified as benign is not then subjected to further curation. The score for this variant resulted in a classification of benign for this disease.

Laboratory for Molecular Medicine, Mass General Brigham Personalized Medicine
Classification: Benign. Last evaluated: 2016-03-28. Review status: criteria provided, single submitter. Criteria: LMM Criteria. Collection method: clinical testing. Allele origin: germline.
Comment: Variant identified in a genome or exome case(s) and assessed due to predicted null impact of the variant or pathogenic assertions in the literature or databases. Disclaimer: This variant has not undergone full assessment. The following are preliminary notes: 50% of total chromosomes in ExAC

Breakthrough Genomics
Classification: Benign. Review status: criteria provided, single submitter. Criteria: ACMG Guidelines, 2015. Collection method: not provided. Allele origin: germline. Inheritance: Autosomal dominant inheritance. Affected: yes.